The following is an entry in ClinVar:

ClinVar aggregate classification (germline): Uncertain significance (1 of 4 stars; one submission).

Conditions:
Cardiovascular phenotype. Identifiers: MedGen CN230736.

Submission:

Ambry Genetics
Classification: Uncertain significance for Cardiovascular phenotype. Last evaluated: 2025-07-03. Review status: criteria provided, single submitter. Criteria: Ambry Variant Classification Scheme 2023. Collection method: clinical testing. Allele origin: germline.
Comment: The p.S165T variant (also known as c.494G>C), located in coding exon 5 of the SPRED1 gene, results from a G to C substitution at nucleotide position 494. The serine at codon 165 is replaced by threonine, an amino acid with similar properties. This amino acid position is conserved. In addition, this alteration is predicted to be tolerated by in silico analysis. Based on the available evidence, the clinical significance of this variant remains unclear.

NM_152594.3(SPRED1):c.494G>C (p.Ser165Thr)

Gene: SPRED1 (sprouty related EVH1 domain containing 1; plus strand). Cytogenetic location: 15q14.
Variant type: single nucleotide variant.
Coding change: c.494G>C on transcript NM_152594.3 (MANE Select); coding-DNA position 494, G replaced by C.
Protein change: p.Ser165Thr; replaces serine 165 with threonine.
Molecular consequence: missense variant.
Genome position (GRCh38, 1-based): chr15:38,339,807, G>C. VCF-style: chr15-38339807-G-C. GRCh37 (hg19) VCF-style: chr15-38632008-G-C.
Other names: short protein forms S165T.
Identifiers: ClinVar variation 4174028 (VCV004174028.1).
Genomic context (GRCh38, chr15:38,339,807, plus strand): 5'-AGGATTCTTCCAGTTCTCTAGTGAAGGATCACCTTTTTCAGCAAGAGACAGTTGTTACCA[G>C]TGAGCCTTATAGAAGCTCAAATATAAGACCTTCTCCCTTTGAAGATCTGAATGCCAGAAG-3'
Protein context (NP_689807.1, residues 155-175): HLFQQETVVT[Ser165Thr]EPYRSSNIRP